The following is an entry in ClinVar:

NM_002069.6(GNAI1):c.143C>T (p.Thr48Ile)

Gene: GNAI1 (G protein subunit alpha i1; plus strand). Cytogenetic location: 7q21.11.
Variant type: single nucleotide variant.
Coding change: c.143C>T on transcript NM_002069.6 (MANE Select); coding-DNA position 143, C replaced by T.
Protein change: p.Thr48Ile; replaces threonine 48 with isoleucine.
Molecular consequence: missense variant. On other transcripts: 5 prime UTR variant (1).
Genome position (GRCh38, 1-based): chr7:80,188,975, C>T. VCF-style: chr7-80188975-C-T. GRCh37 (hg19) VCF-style: chr7-79818291-C-T.
Other names: c.-14C>T (NM_001256414.2); short protein forms T48I.
Identifiers: ClinVar variation 4819026 (VCV004819026.1).
Genomic context (GRCh38, chr7:80,188,975, plus strand): 5'-ATGAAATTAGAAACCTTTTATGTTTTATATTTTTAGGTGCTGGTGAATCTGGTAAAAGTA[C>T]AATTGTGAAGCAGATGAAGTAAGTAGATTTAAACACCAAATTTGCTGTTTAAGTTAGTGT-3'
Protein context (NP_002060.4, residues 38-58): LLGAGESGKS[Thr48Ile]IVKQMKIIHE

ClinVar aggregate classification (germline): Pathogenic (1 of 4 stars; one submission).

Conditions:
Neurodevelopmental disorder with hypotonia, impaired speech, and behavioral abnormalities (NEDHISB). Also called: GNAI1-Related Neurodevelopmental Disorder. Identifiers: MedGen C5676975, MONDO:0859243, OMIM 619854.

Submission:

Victorian Clinical Genetics Services, Murdoch Childrens Research Institute
Classification: Pathogenic for Neurodevelopmental disorder with hypotonia, impaired speech, and behavioral abnormalities. Last evaluated: 2025-12-02. Review status: criteria provided, single submitter. Criteria: ACMG Guidelines, 2015. Collection method: clinical testing. Allele origin: germline. Affected: yes.
Comment: This variant is classified as Pathogenic. Evidence in support of pathogenic classification: Variant is absent from gnomAD (v2, v3 and v4); This variant has strong previous evidence of pathogenicity in unrelated individuals. This variant has been reported de novo in two individuals in the literature with a neurodevelopmental disorder (PMID: 33473207); Other missense variant(s) comparable to the one identified in this case have strong previous evidence for pathogenicity. p.(Thr48Ala), p.(Thr48Lys), and p.(Thr48Pro) have all been classified as likely pathogenic by clinical laboratories in ClinVar. Additionally, p.(Thr48Lys) has been reported de novo in three individuals in the literature with a neurodevelopmental disorder (PMID: 33473207); Missense variant predicted to be damaging by in silico tool(s) or highly conserved with a major amino acid change. Additional information: Variant is predicted to result in a missense amino acid change from Thr to Ile; This variant is heterozygous; This gene is associated with autosomal dominant disease; Alternative amino acid change(s) at the same position are present in gnomAD (highest allele count: v4: 2 heterozygote(s), 0 homozygote(s)); Variant is located in the annotated G-protein alpha subunit domain (DECIPHER); The mechanism of disease for this gene is not clearly established. However, dominant negative is the suggested mechanism associated with neurodevelopmental disorder with hypotonia, impaired speech, and behavioural abnormalities (MIM#619854) (ClinGen CCID:004973); Variants in this gene are known to have variable expressivity. Interfamilial variability has been observed (PMID: 33473207); Parental origin of the variant is unresolved.

Literature cited by the submitters: PubMed 33473207.